The following is an entry in ClinVar:

ClinVar aggregate classification (germline): Likely pathogenic (1 of 4 stars; one submission).

Conditions:
Gaucher disease. Also called: Acute cerebral Gaucher disease; Cerebroside lipidosis syndrome; Gaucher splenomegaly; Sphingolipidosis 1; Glucocerebrosidosis; Glucosylceramidase deficiency. Identifiers: Orphanet 355, MedGen C0017205, MONDO:0018150.

gnomAD v4.1: 1 of 1,614,208 alleles (0.000062%); highest among the groups gnomAD compares: East Asian, 0.0022%; no homozygotes.

Submission:

Natera, Inc.
Classification: Likely pathogenic for Gaucher disease. Last evaluated: 2025-01-14. Review status: criteria provided, single submitter. Criteria: Natera Variant Classification Schema (03/2026). Collection method: clinical testing. Allele origin: germline.
Comment: The c.694G>T variant in GBA1 is a missense variant predicted to cause substitution of glycine to tryptophan at amino acid 232. This variant is rare in the general population with a frequency below the threshold expected for the associated phenotype(s). This variant has been observed in one or more individuals affected with the associated recessive disease, as either homozygous or compound heterozygous with a second variant (PMID: 17363227). Functional studies show that this variant may disrupt protein function (PMID: 17363227). Computational prediction algorithms indicate this variant is likely to affect gene or protein function. Given the available evidence, this variant is classified as Likely Pathogenic.

Literature cited by the submitters: PubMed 17363227.

NM_000157.4(GBA1):c.694G>T (p.Gly232Trp)

Genes: GBA1 (glucosylceramidase beta 1; minus strand), LOC106627981 (GBA recombination region; plus strand). Cytogenetic location: 1q22.
Variant type: single nucleotide variant.
Coding change: c.694G>T on transcript NM_000157.4 (MANE Select); coding-DNA position 694, G replaced by T.
Protein change: p.Gly232Trp; replaces glycine 232 with tryptophan.
Molecular consequence: missense variant.
Genome position (GRCh38, 1-based): chr1:155,238,201, C>A on the plus strand (G>T on the coding strand, the complement: GBA1 is on the minus strand). VCF-style: chr1-155238201-C-A. GRCh37 (hg19) VCF-style: chr1-155207992-C-A.
Other names: c.694G>T, p.Gly232Trp (NM_001005741.3, NM_001005742.3); c.433G>T, p.Gly145Trp (NM_001171811.2); c.547G>T, p.Gly183Trp (NM_001171812.2); short protein forms G145W, G183W, G232W.
Identifiers: ClinVar variation 4817793 (VCV004817793.1).